The following is an entry in ClinVar:

ClinVar aggregate classification (germline): Benign (1 of 4 stars; one submission).

Allele frequency attached by ClinVar (database versions not stated): TOPMed 0.11351; 1000 Genomes Project 0.11562; 1000 Genomes Project 30x 0.11930.
gnomAD v4.1: 15,547 of 152,144 alleles (10%); highest among the groups gnomAD compares: African/African-American, 18%; 1,046 homozygotes.

Submission:

GeneDx
Classification: Benign. Last evaluated: 2018-06-19. Review status: criteria provided, single submitter. Criteria: GeneDx Variant Classification (06012015). Collection method: clinical testing. Allele origin: germline. Affected: yes.
Comment: This variant is considered likely benign or benign based on one or more of the following criteria: it is a conservative change, it occurs at a poorly conserved position in the protein, it is predicted to be benign by multiple in silico algorithms, and/or has population frequency not consistent with disease.

NM_000426.4(LAMA2):c.4718-254C>G

Gene: LAMA2 (laminin subunit alpha 2; plus strand). Cytogenetic location: 6q22.33.
Variant type: single nucleotide variant.
Coding change: c.4718-254C>G on transcript NM_000426.4 (MANE Select); 254 bases into the intron before coding-DNA position 4718, C replaced by G.
Molecular consequence: intron variant.
Genome position (GRCh38, 1-based): chr6:129,365,965, C>G. VCF-style: chr6-129365965-C-G. GRCh37 (hg19) VCF-style: chr6-129687110-C-G.
Other names: c.4718-254C>G (NM_001079823.2).
Identifiers: ClinVar variation 668914 (VCV000668914.1), dbSNP rs6907994, ClinGen allele CA12335099.